The following is an entry in ClinVar:

ClinVar aggregate classification (germline): Uncertain significance. Review status: criteria provided, multiple submitters, no conflicts (2 of 4 stars). 2 submissions from 2 submitters: Uncertain significance (2). Last evaluated 2026-04-03.

Submissions (2):

Dasa
Classification: Uncertain significance. Last evaluated: 2026-04-03. Review status: criteria provided, single submitter. Criteria: DASA Assertion Criteria. Collection method: clinical testing. Allele origin: germline.
Comment: NM_001458.5(FLNC):c.2438C>T (p.Ala813Val) is a missense variant that results in the substitution of alanine with valine. This variant is rare in population databases. The currently available literature and clinical evidence are not sufficient to establish a definitive association between this variant and the reported condition. Therefore, this variant is classified as a variant of uncertain significance.

CeGaT Center for Human Genetics Tuebingen
Classification: Uncertain significance. Last evaluated: 2016-06-01. Review status: criteria provided, single submitter. Criteria: CeGaT Center For Human Genetics Tuebingen Variant Classification Criteria Version 2. Collection method: clinical testing. Allele origin: germline. Affected: yes. Observed: 1 variant allele.

NM_001458.5(FLNC):c.2438C>T (p.Ala813Val)

Gene: FLNC (filamin C; plus strand). Cytogenetic location: 7q32.1.
Variant type: single nucleotide variant.
Coding change: c.2438C>T on transcript NM_001458.5 (MANE Select); coding-DNA position 2438, C replaced by T.
Protein change: p.Ala813Val; replaces alanine 813 with valine.
Molecular consequence: missense variant.
Genome position (GRCh38, 1-based): chr7:128,842,842, C>T. VCF-style: chr7-128842842-C-T. GRCh37 (hg19) VCF-style: chr7-128482896-C-T.
Other names: c.2438C>T, p.Ala813Val (NM_001127487.2); short protein forms A813V.
Identifiers: ClinVar variation 810187 (VCV000810187.44), dbSNP rs1585157948, ClinGen allele CA369191616.